The following is an entry in ClinVar:

ClinVar aggregate classification (germline): Pathogenic (1 of 4 stars; one submission).

Allele frequency attached by ClinVar (database versions not stated): TOPMed below 0.00001.

Submission:

Labcorp Genetics (formerly Invitae), Labcorp
Classification: Pathogenic. Last evaluated: 2021-07-08. Review status: criteria provided, single submitter. Criteria: Invitae Variant Classification Sherloc (09022015). Collection method: clinical testing. Allele origin: germline.
Comment: This sequence change creates a premature translational stop signal (p.Lys368*) in the IFT81 gene. It is expected to result in an absent or disrupted protein product. Loss-of-function variants in IFT81 are known to be pathogenic (PMID: 26275418, 27666822). This variant is not present in population databases (ExAC no frequency). This variant has not been reported in the literature in individuals affected with IFT81-related conditions. For these reasons, this variant has been classified as Pathogenic.

Literature cited by the submitters: PubMed 26275418; PubMed 27666822.

NM_014055.4(IFT81):c.1102A>T (p.Lys368Ter)

Gene: IFT81 (intraflagellar transport 81; plus strand). Cytogenetic location: 12q24.11.
Variant type: single nucleotide variant.
Coding change: c.1102A>T on transcript NM_014055.4 (MANE Select); coding-DNA position 1102, A replaced by T.
Protein change: p.Lys368Ter; replaces lysine 368 with a stop codon.
Molecular consequence: nonsense. On other transcripts: non-coding transcript variant (4).
Genome position (GRCh38, 1-based): chr12:110,162,979, A>T. VCF-style: chr12-110162979-A-T. GRCh37 (hg19) VCF-style: chr12-110600784-A-T.
Other names: c.1102A>T, p.Lys368Ter (NM_001143779.2, NM_001347946.2, NM_031473.4); c.172A>T, p.Lys58Ter (NM_001347947.2, NM_001347948.2); short protein forms K58*, K368*.
Identifiers: ClinVar variation 1397159 (VCV001397159.6), dbSNP rs1467642208, ClinGen allele CA386914059.